The following is an entry in ClinVar:

NM_206937.2(LIG4):c.482C>G (p.Ala161Gly)

Gene: LIG4 (DNA ligase 4; minus strand). Cytogenetic location: 13q33.3.
Variant type: single nucleotide variant.
Coding change: c.482C>G on transcript NM_206937.2 (MANE Select); coding-DNA position 482, C replaced by G.
Protein change: p.Ala161Gly; replaces alanine 161 with glycine.
Molecular consequence: missense variant.
Genome position (GRCh38, 1-based): chr13:108,210,787, G>C on the plus strand (C>G on the coding strand, the complement: LIG4 is on the minus strand). VCF-style: chr13-108210787-G-C. GRCh37 (hg19) VCF-style: chr13-108863135-G-C.
Other names: c.482C>G, p.Ala161Gly (NM_001098268.2, NM_001352598.2, NM_001352599.2 and 6 more transcripts); c.281C>G, p.Ala94Gly (NM_001330595.2); c.518C>G, p.Ala173Gly (NM_001352604.2); short protein forms A173G, A94G, A161G.
Identifiers: ClinVar variation 845970 (VCV000845970.9), dbSNP rs530696588, ClinGen allele CA388622441.

ClinVar aggregate classification (germline): Uncertain significance (1 of 4 stars; one submission).

Conditions:
DNA ligase IV deficiency. Identifiers: Orphanet 99812, MedGen C1847827, MONDO:0011686, OMIM 606593.

Submission:

Labcorp Genetics (formerly Invitae), Labcorp
Classification: Uncertain significance for DNA ligase IV deficiency. Last evaluated: 2022-08-01. Review status: criteria provided, single submitter. Criteria: Invitae Variant Classification Sherloc (09022015). Collection method: clinical testing. Allele origin: germline.
Comment: In summary, the available evidence is currently insufficient to determine the role of this variant in disease. Therefore, it has been classified as a Variant of Uncertain Significance. Algorithms developed to predict the effect of sequence changes on RNA splicing suggest that this variant may create or strengthen a splice site. Algorithms developed to predict the effect of missense changes on protein structure and function output the following: SIFT: "Tolerated"; PolyPhen-2: "Benign"; Align-GVGD: "Class C0". The glycine amino acid residue is found in multiple mammalian species, which suggests that this missense change does not adversely affect protein function. ClinVar contains an entry for this variant (Variation ID: 845970). This variant has not been reported in the literature in individuals affected with LIG4-related conditions. This variant is not present in population databases (gnomAD no frequency). This sequence change replaces alanine, which is neutral and non-polar, with glycine, which is neutral and non-polar, at codon 161 of the LIG4 protein (p.Ala161Gly).